The following is an entry in ClinVar:

ClinVar aggregate classification (germline): Uncertain significance (1 of 4 stars; one submission).

Conditions:
Temtamy syndrome (TEMTYS). Also called: MENTAL RETARDATION WITH OR WITHOUT CRANIOFACIAL DYSMORPHISM, OCULAR COLOBOMA, OR ABNORMAL CORPUS CALLOSUM. Identifiers: Orphanet 1777, MedGen C1857512, MONDO:0009033, OMIM 218340.

Allele frequency attached by ClinVar (database versions not stated): gnomAD exomes below 0.00001.
gnomAD v4.1: 1 of 1,564,452 alleles (0.000064%); highest among the groups gnomAD compares: Non-Finnish European, 0.000086%; no homozygotes.

Submission:

Labcorp Genetics (formerly Invitae), Labcorp
Classification: Uncertain significance for Temtamy syndrome. Last evaluated: 2020-06-18. Review status: criteria provided, single submitter. Criteria: Invitae Variant Classification Sherloc (09022015). Collection method: clinical testing. Allele origin: germline.
Comment: This sequence change falls in intron 2 of the C12orf57 gene. It does not directly change the encoded amino acid sequence of the C12orf57 protein, but it affects a nucleotide within the consensus splice site of the intron. This variant is not present in population databases (ExAC no frequency). This variant has not been reported in the literature in individuals with C12orf57-related conditions. Nucleotide substitutions within the consensus splice site are a relatively common cause of aberrant splicing (PMID: 17576681, 9536098). Algorithms developed to predict the effect of sequence changes on RNA splicing suggest that this variant may disrupt the consensus splice site, but this prediction has not been confirmed by published transcriptional studies. In summary, the available evidence is currently insufficient to determine the role of this variant in disease. Therefore, it has been classified as a Variant of Uncertain Significance.

Literature cited by the submitters: PubMed 17576681; PubMed 9536098.

NM_138425.4(C12orf57):c.229+5G>T

Gene: C12orf57 (chromosome 12 open reading frame 57; plus strand). Cytogenetic location: 12p13.31.
Variant type: single nucleotide variant.
Coding change: c.229+5G>T on transcript NM_138425.4 (MANE Select); 5 bases into the intron after coding-DNA position 229, G replaced by T.
Molecular consequence: intron variant.
Genome position (GRCh38, 1-based): chr12:6,944,657, G>T. VCF-style: chr12-6944657-G-T. GRCh37 (hg19) VCF-style: chr12-7053820-G-T.
Other names: c.190+5G>T (NM_001301836.2); c.229+5G>T (NM_001301834.1); c.124+5G>T (NM_001301838.2); c.142+92G>T (NM_001301837.2).
Identifiers: ClinVar variation 1016760 (VCV001016760.6), dbSNP rs1945750009, ClinGen allele CA2014327382.